The following is an entry in ClinVar:

NM_017882.3(CLN6):c.282C>A (p.Pro94=)

Gene: CLN6 (CLN6 transmembrane ER protein; minus strand). Cytogenetic location: 15q23.
Variant type: single nucleotide variant.
Coding change: c.282C>A on transcript NM_017882.3 (MANE Select); coding-DNA position 282, C replaced by A.
Protein change: p.Pro94=; no amino-acid change (proline 94 retained).
Molecular consequence: synonymous variant.
Genome position (GRCh38, 1-based): chr15:68,214,305, G>T on the plus strand (C>A on the coding strand, the complement: CLN6 is on the minus strand). VCF-style: chr15-68214305-G-T. GRCh37 (hg19) VCF-style: chr15-68506643-G-T.
Other names: p.P94P:CCC>CCA.
Identifiers: ClinVar variation 136796 (VCV000136796.24), dbSNP rs139261571, ClinGen allele CA290141.

ClinVar aggregate classification (germline): Conflicting classifications of pathogenicity. Review status: criteria provided, conflicting classifications (1 of 4 stars). 6 submissions from 6 submitters: Uncertain significance (1); Benign (2); Likely benign (3). Last evaluated 2026-01-28.

Conditions:
Inborn genetic diseases. Identifiers: MedGen C0950123, MeSH D030342.
Neuronal ceroid lipofuscinosis. Also called: Neuronal Ceroid Lipofuscinoses. Identifiers: Orphanet 216, Orphanet 79263, MedGen C0027877, MONDO:0016295. Disease mechanism: loss of function.

Allele frequency attached by ClinVar (database versions not stated): gnomAD exomes 0.00029; TOPMed 0.00039; 1000 Genomes Project 0.00040; 1000 Genomes Project 30x 0.00062; ESP Exome Variant Server 0.00008; gnomAD 0.00021; ExAC 0.00024.
gnomAD v4.1: 182 of 1,613,556 alleles (0.011%); highest among the groups gnomAD compares: Admixed American, 0.19%; no homozygotes.

Submissions (6):

Labcorp Genetics (formerly Invitae), Labcorp
Classification: Likely benign for Neuronal ceroid lipofuscinosis. Last evaluated: 2026-01-28. Review status: criteria provided, single submitter. Criteria: Invitae Variant Classification Sherloc (09022015). Collection method: clinical testing. Allele origin: germline.

Blueprint Genetics
Classification: Likely benign. Last evaluated: 2024-11-08. Review status: criteria provided, single submitter. Criteria: ACMG Guidelines, 2015. Collection method: clinical testing. Allele origin: germline.

Athena Diagnostics
Classification: Benign. Last evaluated: 2024-07-05. Review status: criteria provided, single submitter. Criteria: Athena Diagnostics Criteria. Collection method: clinical testing. Allele origin: unknown.

Illumina Laboratory Services, Illumina
Classification: Uncertain significance for Neuronal ceroid lipofuscinosis. Last evaluated: 2018-01-12. Review status: criteria provided, single submitter. Criteria: ICSL Variant Classification Criteria 13 December 2019. Collection method: clinical testing. Allele origin: germline.

Ambry Genetics
Classification: Likely benign for Inborn genetic diseases. Last evaluated: 2017-05-25. Review status: criteria provided, single submitter. Criteria: Ambry Variant Classification Scheme 2023. Collection method: clinical testing. Allele origin: germline.

GeneDx
Classification: Benign. Last evaluated: 2013-10-30. Review status: criteria provided, single submitter. Criteria: GeneDx Variant Classification (06012015). Collection method: clinical testing. Allele origin: germline. Affected: yes.
Comment: This variant is considered likely benign or benign based on one or more of the following criteria: it is a conservative change, it occurs at a poorly conserved position in the protein, it is predicted to be benign by multiple in silico algorithms, and/or has population frequency not consistent with disease.